The following is an entry in ClinVar:

NM_181486.4(TBX5):c.309_310delinsAC (p.Met104Leu)

Gene: TBX5 (T-box transcription factor 5; minus strand). Cytogenetic location: 12q24.21.
Variant type: Indel.
Coding change: c.309_310delinsAC on transcript NM_181486.4 (MANE Select); coding-DNA positions 309 to 310, CA replaced by AC.
Protein change: p.Met104Leu; replaces methionine 104 with leucine.
Molecular consequence: missense variant.
Genome position (GRCh38, 1-based): chr12:114,399,565-114,399,566, TG replaced by GT on the plus strand (CA replaced by AC on the coding strand, the reverse complement: TBX5 is on the minus strand). VCF-style: chr12-114399565-TG-GT. GRCh37 (hg19) VCF-style: chr12-114837370-TG-GT.
Other names: c.309_310delinsAC, p.Met104Leu (NM_000192.3); c.159_160delinsAC, p.Met54Leu (NM_080717.4); short protein forms M104L, M54L.
Identifiers: ClinVar variation 1354337 (VCV001354337.6), dbSNP rs2136418134, ClinGen allele CA2573148005.
Genomic context (GRCh38, chr12:114,399,565, plus strand): 5'-GTGCCTACCATTTATTATCTGCGAATTTGTATCTGTGATCGTCGGCAGGTACAATGTCCA[TG>GT]AGAAGAATGTACTTCGTTTTGGGATTAAGGCCCGTCACCTTCACTTTGTAACTGGGAAAC-3'
Protein context (NP_852259.1, residues 94-114): LNPKTKYILL[Met104Leu]DIVPADDHRY

ClinVar aggregate classification (germline): Uncertain significance (1 of 4 stars; one submission).

Conditions:
Aortic valve disease 2 (AOVD2). Identifiers: MedGen C3542024, MONDO:0013902, OMIM 614823.

Submission:

Labcorp Genetics (formerly Invitae), Labcorp
Classification: Uncertain significance for Aortic valve disease 2. Last evaluated: 2025-04-14. Review status: criteria provided, single submitter. Criteria: Invitae Variant Classification Sherloc (09022015). Collection method: clinical testing. Allele origin: germline.
Comment: This sequence change replaces methionine, which is neutral and non-polar, with leucine, which is neutral and non-polar, at codon 104 of the TBX5 protein (p.Met104Leu). Information on the frequency of this variant in the gnomAD database is not available, as this variant may be reported differently in the database. This variant has not been reported in the literature in individuals affected with TBX5-related conditions. ClinVar contains an entry for this variant (Variation ID: 1354337). Experimental studies and prediction algorithms are not available or were not evaluated, and the functional significance of this variant is currently unknown. In summary, the available evidence is currently insufficient to determine the role of this variant in disease. Therefore, it has been classified as a Variant of Uncertain Significance.